The following is an entry in ClinVar:

ClinVar aggregate classification (germline): Pathogenic (1 of 4 stars; one submission).

Conditions:
Gorlin syndrome. Also called: Basal cell nevus syndrome; Nevoid Basal Cell Carcinoma Syndrome. Identifiers: Orphanet 377, MedGen C0004779, MONDO:0007187.

Submission:

Labcorp Genetics (formerly Invitae), Labcorp
Classification: Pathogenic for Gorlin syndrome. Last evaluated: 2025-01-15. Review status: criteria provided, single submitter. Criteria: Invitae Variant Classification Sherloc (09022015). Collection method: clinical testing. Allele origin: germline.
Comment: This sequence change creates a premature translational stop signal (p.Ala792Leufs*15) in the PTCH1 gene. It is expected to result in an absent or disrupted protein product. Loss-of-function variants in PTCH1 are known to be pathogenic (PMID: 16301862, 16419085). This variant is not present in population databases (gnomAD no frequency). This variant has not been reported in the literature in individuals affected with PTCH1-related conditions. ClinVar contains an entry for this variant (Variation ID: 2105100). For these reasons, this variant has been classified as Pathogenic.

Literature cited by the submitters: PubMed 16301862; PubMed 16419085.

NM_000264.5(PTCH1):c.2372_2373dup (p.Ala792fs)

Genes: PTCH1 (patched 1; minus strand), LOC100507346 (uncharacterized LOC100507346; plus strand). Cytogenetic location: 9q22.32.
Variant type: Duplication.
Coding change: c.2372_2373dup on transcript NM_000264.5 (MANE Select); coding-DNA positions 2372 to 2373, 2 bases duplicated (TT; older notation c.2372_2373dupTT).
Protein change: p.Ala792fs; shifts the reading frame from alanine 792.
Molecular consequence: frameshift variant.
Genome position (GRCh38, 1-based): chr9:95,467,303-95,467,304, AA duplicated on the plus strand (TT on the coding strand, the reverse complement: PTCH1 is on the minus strand). VCF-style (leftmost placement, unchanged base first): chr9-95467302-C-CAA. GRCh37 (hg19) VCF-style: chr9-98229584-C-CAA.
Other names: c.2174_2175dup, p.Ala726fs (NM_001083602.3); c.2369_2370dup, p.Ala791fs (NM_001083603.3); c.1919_1920dup, p.Ala641fs (NM_001083604.3, NM_001083605.3, NM_001083606.3 and 1 more transcripts); c.2216_2217dup, p.Ala740fs (NM_001354918.2); short protein forms A726fs, A792fs, A791fs, A740fs, A641fs.
Identifiers: ClinVar variation 2105100 (VCV002105100.4), dbSNP rs2538132204, ClinGen allele CA2580080704.